The following is an entry in ClinVar:

ClinVar aggregate classification (germline): Uncertain significance (1 of 4 stars; one submission).

Allele frequency attached by ClinVar (database versions not stated): gnomAD 0.00001; gnomAD exomes 0.00001; TOPMed below 0.00001; ExAC 0.00001.
gnomAD v4.1: 6 of 1,613,890 alleles (0.00037%); highest among the groups gnomAD compares: Admixed American, 0.01%; no homozygotes.

Submission:

Labcorp Genetics (formerly Invitae), Labcorp
Classification: Uncertain significance. Last evaluated: 2026-01-19. Review status: criteria provided, single submitter. Criteria: Invitae Variant Classification Sherloc (09022015). Collection method: clinical testing. Allele origin: germline.
Comment: This sequence change replaces proline, which is neutral and non-polar, with alanine, which is neutral and non-polar, at codon 70 of the SCN3A protein (p.Pro70Ala). This variant is present in population databases (rs764443863, gnomAD 0.01%). This variant has not been reported in the literature in individuals affected with SCN3A-related conditions. ClinVar contains an entry for this variant (Variation ID: 1952129). Invitae Evidence Modeling of protein sequence and biophysical properties (such as structural, functional, and spatial information, amino acid conservation, physicochemical variation, residue mobility, and thermodynamic stability) indicates that this missense variant is not expected to disrupt SCN3A protein function with a negative predictive value of 95%. In summary, the available evidence is currently insufficient to determine the role of this variant in disease. Therefore, it has been classified as a Variant of Uncertain Significance.

NM_006922.4(SCN3A):c.208C>G (p.Pro70Ala)

Gene: SCN3A (sodium voltage-gated channel alpha subunit 3; minus strand). Cytogenetic location: 2q24.3.
Variant type: single nucleotide variant.
Coding change: c.208C>G on transcript NM_006922.4 (MANE Select); coding-DNA position 208, C replaced by G.
Protein change: p.Pro70Ala; replaces proline 70 with alanine.
Molecular consequence: missense variant.
Genome position (GRCh38, 1-based): chr2:165,176,187, G>C on the plus strand (C>G on the coding strand, the complement: SCN3A is on the minus strand). VCF-style: chr2-165176187-G-C. GRCh37 (hg19) VCF-style: chr2-166032697-G-C.
Other names: c.208C>G, p.Pro70Ala (NM_001081676.2, NM_001081677.2); short protein forms P70A.
Identifiers: ClinVar variation 1952129 (VCV001952129.5), dbSNP rs764443863, ClinGen allele CA1939488.